The following is an entry in ClinVar:

ClinVar aggregate classification (germline): Uncertain significance (1 of 4 stars; one submission).

Submission:

Labcorp Genetics (formerly Invitae), Labcorp
Classification: Uncertain significance. Last evaluated: 2025-03-19. Review status: criteria provided, single submitter. Criteria: Invitae Variant Classification Sherloc (09022015). Collection method: clinical testing. Allele origin: germline.
Comment: This sequence change creates a premature translational stop signal (p.Ser286*) in the IGSF10 gene. It is expected to result in an absent or disrupted protein product. However, the current clinical and genetic evidence is not sufficient to establish whether loss-of-function variants in IGSF10 cause disease. This variant is not present in population databases (gnomAD no frequency). This variant has not been reported in the literature in individuals affected with IGSF10-related conditions. In summary, the available evidence is currently insufficient to determine the role of this variant in disease. Therefore, it has been classified as a Variant of Uncertain Significance.

NM_178822.5(IGSF10):c.857C>G (p.Ser286Ter)

Gene: IGSF10 (immunoglobulin superfamily member 10; minus strand). Cytogenetic location: 3q25.1.
Variant type: single nucleotide variant.
Coding change: c.857C>G on transcript NM_178822.5 (MANE Select); coding-DNA position 857, C replaced by G.
Protein change: p.Ser286Ter; replaces serine 286 with a stop codon.
Molecular consequence: nonsense.
Genome position (GRCh38, 1-based): chr3:151,449,124, G>C on the plus strand (C>G on the coding strand, the complement: IGSF10 is on the minus strand). VCF-style: chr3-151449124-G-C. GRCh37 (hg19) VCF-style: chr3-151166912-G-C.
Other names: c.857C>G, p.Ser286Ter (NM_001385060.1, NM_001385061.1, NM_001385062.1 and 1 more transcripts); short protein forms S286*.
Identifiers: ClinVar variation 4759948 (VCV004759948.1).